The following is an entry in ClinVar:

NM_006947.4(SRP72):c.1477C>A (p.Leu493Ile)

Gene: SRP72 (signal recognition particle 72; plus strand). Cytogenetic location: 4q12.
Variant type: single nucleotide variant.
Coding change: c.1477C>A on transcript NM_006947.4 (MANE Select); coding-DNA position 1477, C replaced by A.
Protein change: p.Leu493Ile; replaces leucine 493 with isoleucine.
Molecular consequence: missense variant. On other transcripts: non-coding transcript variant (1).
Genome position (GRCh38, 1-based): chr4:56,490,620, C>A. VCF-style: chr4-56490620-C-A. GRCh37 (hg19) VCF-style: chr4-57356786-C-A.
Other names: c.1477C>A (NM_006947.3); c.1294C>A, p.Leu432Ile (NM_001267722.2); short protein forms L493I, L432I.
Identifiers: ClinVar variation 1434342 (VCV001434342.9), dbSNP rs765292874, ClinGen allele CA2931376.
Genomic context (GRCh38, chr4:56,490,620, plus strand): 5'-TCTTTTAGACAAAATCCAAAAGATATTCACACCCTGGCACAGCTTATTTCTGCTTACTCA[C>A]TTGTAGATCCAGAGAAAGCCAAAGCGTATCCTTTTGATTGTTATTCCTTACAGCTCCTCA-3'
Protein context (NP_008878.3, residues 483-503): TLAQLISAYS[Leu493Ile]VDPEKAKALS

ClinVar aggregate classification (germline): Uncertain significance. Review status: criteria provided, multiple submitters, no conflicts (2 of 4 stars). 3 submissions from 3 submitters: Uncertain significance (3). Last evaluated 2024-11-23.

Allele frequency attached by ClinVar (database versions not stated): ExAC 0.00001; gnomAD 0.00001; TOPMed 0.00002.
gnomAD v4.1: 8 of 1,613,832 alleles (0.0005%); highest among the groups gnomAD compares: Admixed American, 0.01%; no homozygotes.

Submissions (3):

Ambry Genetics
Classification: Uncertain significance. Last evaluated: 2024-11-23. Review status: criteria provided, single submitter. Criteria: Ambry Variant Classification Scheme 2023. Collection method: clinical testing. Allele origin: germline.
Comment: The p.L493I variant (also known as c.1477C>A), located in coding exon 15 of the SRP72 gene, results from a C to A substitution at nucleotide position 1477. The leucine at codon 493 is replaced by isoleucine, an amino acid with highly similar properties. This amino acid position is conserved. In addition, the in silico prediction for this alteration is inconclusive. Based on the available evidence, the clinical significance of this variant remains unclear.

Labcorp Genetics (formerly Invitae), Labcorp
Classification: Uncertain significance. Last evaluated: 2024-11-18. Review status: criteria provided, single submitter. Criteria: Invitae Variant Classification Sherloc (09022015). Collection method: clinical testing. Allele origin: germline.
Comment: This sequence change replaces leucine, which is neutral and non-polar, with isoleucine, which is neutral and non-polar, at codon 493 of the SRP72 protein (p.Leu493Ile). This variant is present in population databases (rs765292874, gnomAD 0.009%). This variant has not been reported in the literature in individuals affected with SRP72-related conditions. ClinVar contains an entry for this variant (Variation ID: 1434342). Invitae Evidence Modeling of protein sequence and biophysical properties (such as structural, functional, and spatial information, amino acid conservation, physicochemical variation, residue mobility, and thermodynamic stability) indicates that this missense variant is not expected to disrupt SRP72 protein function with a negative predictive value of 80%. In summary, the available evidence is currently insufficient to determine the role of this variant in disease. Therefore, it has been classified as a Variant of Uncertain Significance.

Women's Health and Genetics/Laboratory Corporation of America, LabCorp
Classification: Uncertain significance. Last evaluated: 2023-05-17. Review status: criteria provided, single submitter. Criteria: LabCorp Variant Classification Summary - May 2015. Collection method: clinical testing. Allele origin: germline.
Comment: Variant summary: SRP72 c.1477C>A (p.Leu493Ile) results in a conservative amino acid change in the encoded protein sequence. Three of five in-silico tools predict a benign effect of the variant on protein function. The variant allele was found at a frequency of 1.2e-05 (i.e., 3 heterozygous carriers) in 250334 control chromosomes (gnomAD). The available data on variant occurrences in the general population are insufficient to allow any conclusion about variant significance. To our knowledge, no occurrence of c.1477C>A in individuals affected with Autosomal Dominant Aplasia And Myelodysplasia and no experimental evidence demonstrating its impact on protein function have been reported. One clinical diagnostic laboratory has submitted clinical-significance assessments for this variant to ClinVar after 2014 and classified the variant as uncertain significance. Based on the evidence outlined above, the variant was classified as uncertain significance.